The following is an entry in ClinVar:

NM_000153.4(GALC):c.911C>T (p.Thr304Ile)

Gene: GALC (galactosylceramidase; minus strand). Cytogenetic location: 14q31.3.
Variant type: single nucleotide variant.
Coding change: c.911C>T on transcript NM_000153.4 (MANE Select); coding-DNA position 911, C replaced by T.
Protein change: p.Thr304Ile; replaces threonine 304 with isoleucine.
Molecular consequence: missense variant.
Genome position (GRCh38, 1-based): chr14:87,965,627, G>A on the plus strand (C>T on the coding strand, the complement: GALC is on the minus strand). VCF-style: chr14-87965627-G-A. GRCh37 (hg19) VCF-style: chr14-88431971-G-A.
Other names: c.842C>T, p.Thr281Ile (NM_001201401.2); c.833C>T, p.Thr278Ile (NM_001201402.2); short protein forms T278I, T281I, T304I.
Identifiers: ClinVar variation 2574044 (VCV002574044.2), dbSNP rs2503440863, ClinGen allele CA390747662.

ClinVar aggregate classification (germline): Pathogenic (1 of 4 stars; one submission).

Conditions:
Galactosylceramide beta-galactosidase deficiency. Also called: GALACTOCEREBROSIDASE DEFICIENCY; GALC DEFICIENCY; GLOBOID CELL LEUKOENCEPHALOPATHY; Krabbe Disease; Leukodystrophy, Globoid Cell. Identifiers: Orphanet 487, MedGen C0023521, MONDO:0009499, OMIM 245200.

Submission:

Department of Medical Genetics, National Institute of Health
Classification: Pathogenic for Galactosylceramide beta-galactosidase deficiency. Review status: criteria provided, single submitter. Criteria: ACMG Guidelines, 2015. Collection method: clinical testing. Allele origin: unknown. Inheritance: Autosomal recessive inheritance. Affected: yes. Observed: 1 homozygote.
Comment: It is classified as Variant with Uncertain Significance according to the ACMG guidelines. It has not been previously reported and was not found in 138 Moroccan Clinical Exomes on our house database. Therefore, this variant is associated with Krabbe disease in our patient and meets our criteria to be classified as pathogenic.